The following is an entry in ClinVar:

ClinVar aggregate classification (germline): Uncertain significance (1 of 4 stars; one submission).

Submission:

Ambry Genetics
Classification: Uncertain significance. Last evaluated: 2025-09-28. Review status: criteria provided, single submitter. Criteria: Ambry Variant Classification Scheme 2023. Collection method: clinical testing. Allele origin: germline.
Comment: The p.K455I variant (also known as c.1364A>T), located in coding exon 2 of the CDK12 gene, results from an A to T substitution at nucleotide position 1364. The lysine at codon 455 is replaced by isoleucine, an amino acid with dissimilar properties. This amino acid position is conserved. In addition, this alteration is predicted to be tolerated by in silico analysis. Based on the available evidence, the clinical significance of this variant remains unclear.

NM_016507.4(CDK12):c.1364A>T (p.Lys455Ile)

Gene: CDK12 (cyclin dependent kinase 12; plus strand). Cytogenetic location: 17q12.
Variant type: single nucleotide variant.
Coding change: c.1364A>T on transcript NM_016507.4 (MANE Select); coding-DNA position 1364, A replaced by T.
Protein change: p.Lys455Ile; replaces lysine 455 with isoleucine.
Molecular consequence: missense variant.
Genome position (GRCh38, 1-based): chr17:39,471,196, A>T. VCF-style: chr17-39471196-A-T. GRCh37 (hg19) VCF-style: chr17-37627449-A-T.
Other names: c.1364A>T, p.Lys455Ile (NM_015083.4); short protein forms K455I.
Identifiers: ClinVar variation 4651339 (VCV004651339.1).